The following is an entry in ClinVar:

NM_006915.3(RP2):c.91C>T (p.Gln31Ter)

Gene: RP2 (RP2 activator of ARL3 GTPase; plus strand). Cytogenetic location: Xp11.3.
Variant type: single nucleotide variant.
Coding change: c.91C>T on transcript NM_006915.3 (MANE Select); coding-DNA position 91, C replaced by T.
Protein change: p.Gln31Ter; replaces glutamine 31 with a stop codon.
Molecular consequence: nonsense.
Genome position (GRCh38, 1-based): chrX:46,837,191, C>T. VCF-style: chrX-46837191-C-T. GRCh37 (hg19) VCF-style: chrX-46696626-C-T.
Other names: short protein forms Q31*.
Identifiers: ClinVar variation 1075685 (VCV001075685.7), dbSNP rs2147074694, ClinGen allele CA413038359.
Genomic context (GRCh38, chrX:46,837,191, plus strand): 5'-GCTGACAAGGAGTCGCGGCCCGAGAACGAGGAGGAGCGGCCAAAGCAGTACAGCTGGGAT[C>T]AGCGCGAGAAGGTAATGAAAGTCGTGTAGCCGCCGTCTCAGCCTCCCTGAGCCGCTCCGC-3'

ClinVar aggregate classification (germline): Pathogenic (1 of 4 stars; one submission).

Submission:

Labcorp Genetics (formerly Invitae), Labcorp
Classification: Pathogenic. Last evaluated: 2022-10-07. Review status: criteria provided, single submitter. Criteria: Invitae Variant Classification Sherloc (09022015). Collection method: clinical testing. Allele origin: germline.
Comment: For these reasons, this variant has been classified as Pathogenic. ClinVar contains an entry for this variant (Variation ID: 1075685). This sequence change creates a premature translational stop signal (p.Gln31*) in the RP2 gene. It is expected to result in an absent or disrupted protein product. Loss-of-function variants in RP2 are known to be pathogenic (PMID: 11992260, 20625056). This variant is not present in population databases (gnomAD no frequency). This variant has not been reported in the literature in individuals affected with RP2-related conditions.

Literature cited by the submitters: PubMed 11992260; PubMed 20625056.